The following is an entry in ClinVar:

NM_000179.3(MSH6):c.1165C>A (p.Pro389Thr)

Gene: MSH6 (mutS homolog 6; plus strand). Cytogenetic location: 2p16.3.
Variant type: single nucleotide variant.
Coding change: c.1165C>A on transcript NM_000179.3 (MANE Select); coding-DNA position 1165, C replaced by A.
Protein change: p.Pro389Thr; replaces proline 389 with threonine.
Molecular consequence: missense variant. On other transcripts: non-coding transcript variant (4), intron variant (1).
Genome position (GRCh38, 1-based): chr2:47,799,148, C>A. VCF-style: chr2-47799148-C-A. GRCh37 (hg19) VCF-style: chr2-48026287-C-A.
Other names: c.775C>A, p.Pro259Thr (NM_001281492.2); c.259C>A, p.Pro87Thr (NM_001281493.2, NM_001406811.1, NM_001406812.1 and 6 more transcripts); c.1087C>A, p.Pro363Thr (NM_001406804.1); c.868C>A, p.Pro290Thr (NM_001406805.1, NM_001406824.1, NM_001406825.1 and 10 more transcripts); c.640C>A, p.Pro214Thr (NM_001406806.1, NM_001406807.1, NM_001406799.1); c.1165C>A, p.Pro389Thr (NM_001406808.1, NM_001406809.1, NM_001406796.1 and 4 more transcripts); c.1171C>A, p.Pro391Thr (NM_001406813.1); c.997C>A, p.Pro333Thr (NM_001406826.1); and 2 more; short protein forms P214T, P421T, P290T, P87T, P259T, P333T, P391T, P363T.
Identifiers: ClinVar variation 2861843 (VCV002861843.3), dbSNP rs1286659745, ClinGen allele CA346742283.

ClinVar aggregate classification (germline): Uncertain significance (1 of 4 stars; one submission).

Conditions:
Hereditary nonpolyposis colorectal neoplasms. Identifiers: MedGen C0009405, MeSH D003123.

Submission:

Labcorp Genetics (formerly Invitae), Labcorp
Classification: Uncertain significance for Hereditary nonpolyposis colorectal neoplasms. Last evaluated: 2023-05-03. Review status: criteria provided, single submitter. Criteria: Invitae Variant Classification Sherloc (09022015). Collection method: clinical testing. Allele origin: germline.
Comment: In summary, the available evidence is currently insufficient to determine the role of this variant in disease. Therefore, it has been classified as a Variant of Uncertain Significance. Advanced modeling of protein sequence and biophysical properties (such as structural, functional, and spatial information, amino acid conservation, physicochemical variation, residue mobility, and thermodynamic stability) performed at Invitae indicates that this missense variant is not expected to disrupt MSH6 protein function. This variant has not been reported in the literature in individuals affected with MSH6-related conditions. This variant is not present in population databases (gnomAD no frequency). This sequence change replaces proline, which is neutral and non-polar, with threonine, which is neutral and polar, at codon 389 of the MSH6 protein (p.Pro389Thr).